The following is an entry in ClinVar:

ClinVar aggregate classification (germline): Uncertain significance. Review status: criteria provided, multiple submitters, no conflicts (2 of 4 stars). 2 submissions from 2 submitters: Uncertain significance (2). Last evaluated 2025-09-01.

Conditions:
Inborn genetic diseases. Identifiers: MedGen C0950123, MeSH D030342.

Allele frequency attached by ClinVar (database versions not stated): TOPMed below 0.00001; gnomAD 0.00001.

Submissions (2):

Ambry Genetics
Classification: Uncertain significance for Inborn genetic diseases. Last evaluated: 2025-09-01. Review status: criteria provided, single submitter. Criteria: Ambry Variant Classification Scheme 2023. Collection method: clinical testing. Allele origin: germline.

Labcorp Genetics (formerly Invitae), Labcorp
Classification: Uncertain significance. Last evaluated: 2022-08-20. Review status: criteria provided, single submitter. Criteria: Invitae Variant Classification Sherloc (09022015). Collection method: clinical testing. Allele origin: germline.
Comment: This sequence change replaces asparagine, which is neutral and polar, with serine, which is neutral and polar, at codon 286 of the CDK5RAP2 protein (p.Asn286Ser). In summary, the available evidence is currently insufficient to determine the role of this variant in disease. Therefore, it has been classified as a Variant of Uncertain Significance. Algorithms developed to predict the effect of missense changes on protein structure and function output the following: SIFT: "Tolerated"; PolyPhen-2: "Benign"; Align-GVGD: "Class C0". The serine amino acid residue is found in multiple mammalian species, which suggests that this missense change does not adversely affect protein function. This variant has not been reported in the literature in individuals affected with CDK5RAP2-related conditions. This variant is present in population databases (no rsID available, gnomAD 0.01%).

NM_018249.6(CDK5RAP2):c.857A>G (p.Asn286Ser)

Gene: CDK5RAP2 (CDK5 regulatory subunit associated protein 2; minus strand). Cytogenetic location: 9q33.2.
Variant type: single nucleotide variant.
Coding change: c.857A>G on transcript NM_018249.6 (MANE Select); coding-DNA position 857, A replaced by G.
Protein change: p.Asn286Ser; replaces asparagine 286 with serine.
Molecular consequence: missense variant. On other transcripts: non-coding transcript variant (5).
Genome position (GRCh38, 1-based): chr9:120,528,766, T>C on the plus strand (A>G on the coding strand, the complement: CDK5RAP2 is on the minus strand). VCF-style: chr9-120528766-T-C. GRCh37 (hg19) VCF-style: chr9-123291044-T-C.
Other names: c.857A>G (NM_018249.4); c.857A>G, p.Asn286Ser (NM_001011649.3, NM_001272039.2, NM_001410992.1 and 2 more transcripts); short protein forms N286S.
Identifiers: ClinVar variation 2175746 (VCV002175746.5), dbSNP rs1242463378, ClinGen allele CA374704852.